The following is an entry in ClinVar:

ClinVar aggregate classification (germline): Uncertain significance (1 of 4 stars; one submission).

Conditions:
Cystic fibrosis (CF). Also called: MUCOVISCIDOSIS. Identifiers: Orphanet 586, MedGen C0010674, MONDO:0009061, OMIM 219700. Disease mechanism: loss of function.

Allele frequency attached by ClinVar (database versions not stated): TOPMed 0.00003; gnomAD 0.00005.
gnomAD v4.1: 7 of 152,194 alleles (0.0046%); highest among the groups gnomAD compares: Non-Finnish European, 0.01%; no homozygotes.

Submission:

Johns Hopkins Genomics, Johns Hopkins University
Classification: Uncertain significance for Cystic fibrosis. Last evaluated: 2022-06-15. Review status: criteria provided, single submitter. Criteria: ACMG Guidelines, 2015. Collection method: clinical testing. Allele origin: germline.
Comment: This CFTR variant (rs1173872713) is rare (<0.1%) in a large population dataset (gnomAD: 7/152194 total alleles; 0.005%; no homozygotes) and has not been reported in ClinVar nor the literature, to our knowledge. Two bioinformatic tools predict that this deep intronic variant may increase the strength of a cryptic acceptor site, although this has not been confirmed experimentally to our knowledge. Due to insufficient evidence that this variant is deleterious, we consider the clinical significance of CFTR c.1584+10206A>G to be uncertain at this time.

NM_000492.4(CFTR):c.1584+10206A>G

Gene: CFTR (CF transmembrane conductance regulator; plus strand). Cytogenetic location: 7q31.2.
Variant type: single nucleotide variant.
Coding change: c.1584+10206A>G on transcript NM_000492.4 (MANE Select); 10206 bases into the intron after coding-DNA position 1584, A replaced by G.
Molecular consequence: intron variant.
Genome position (GRCh38, 1-based): chr7:117,569,861, A>G. VCF-style: chr7-117569861-A-G. GRCh37 (hg19) VCF-style: chr7-117209915-A-G.
Identifiers: ClinVar variation 1704356 (VCV001704356.1), dbSNP rs1173872713, ClinGen allele CA577219137.